The following is an entry in ClinVar:

ClinVar aggregate classification (germline): Uncertain significance (1 of 4 stars; one submission).

Submission:

GeneDx
Classification: Uncertain significance. Last evaluated: 2019-09-23. Review status: criteria provided, single submitter. Criteria: GeneDx Variant Classification Process June 2021. Collection method: clinical testing. Allele origin: germline. Affected: yes.
Comment: Not observed in large population cohorts (Lek et al., 2016); In silico analysis, which includes splice predictors and evolutionary conservation, supports that this variant does not alter protein structure/function; Nucleotide substitution has no predicted effect on splicing and is not conserved across species; Has not been previously published as pathogenic or benign to our knowledge

NM_001330288.2(SMARCC2):c.378C>G (p.Thr126=)

Gene: SMARCC2 (SWI/SNF related, matrix associated, actin dependent regulator of chromatin subfamily c member 2; minus strand). Cytogenetic location: 12q13.2.
Variant type: single nucleotide variant.
Coding change: c.378C>G on transcript NM_001330288.2 (MANE Select); coding-DNA position 378, C replaced by G.
Protein change: p.Thr126=; no amino-acid change (threonine 126 retained).
Molecular consequence: synonymous variant.
Genome position (GRCh38, 1-based): chr12:56,185,051, G>C on the plus strand (C>G on the coding strand, the complement: SMARCC2 is on the minus strand). VCF-style: chr12-56185051-G-C. GRCh37 (hg19) VCF-style: chr12-56578835-G-C.
Other names: c.378C>G, p.Thr126= (NM_001130420.3, NM_003075.5, NM_139067.4).
Identifiers: ClinVar variation 1310672 (VCV001310672.2), dbSNP rs2135750493, ClinGen allele CA480202595.